The following is an entry in ClinVar:

NC_000012.11:g.(?_133201283)_(133202913_?)del

Gene: POLE (DNA polymerase epsilon, catalytic subunit; minus strand). Cytogenetic location: 12q24.33.
Variant type: Deletion.
Identifiers: ClinVar variation 3244407 (VCV003244407.1).

ClinVar aggregate classification (germline): Uncertain significance (1 of 4 stars; one submission).

Submission:

Labcorp Genetics (formerly Invitae), Labcorp
Classification: Uncertain significance. Last evaluated: 2023-10-15. Review status: criteria provided, single submitter. Criteria: Invitae Variant Classification Sherloc (09022015). Collection method: clinical testing. Allele origin: unknown.
Comment: This variant is a gross deletion of the genomic region encompassing exon(s) 46-49 of the POLE gene, which includes the termination codon. This deletion extends beyond the assayed region for this gene and therefore may encompass additional genes. While this deletion is not anticipated to lead to nonsense mediated decay, it is expected to alter mRNA translation or result in a truncated protein product. This variant has not been reported in the literature in individuals affected with POLE-related conditions. Experimental studies and prediction algorithms are not available or were not evaluated, and the functional significance of this variant is currently unknown. In summary, the available evidence is currently insufficient to determine the role of this variant in disease. Therefore, it has been classified as a Variant of Uncertain Significance.